The following is an entry in ClinVar:

ClinVar aggregate classification (germline): Uncertain significance (1 of 4 stars; one submission).

Conditions:
Charcot-Marie-Tooth disease type 4. Also called: Charcot-Marie-Tooth, Type 4; Charcot-Marie-Tooth disease, type IV. Identifiers: Orphanet 64749, MedGen C4082197, MONDO:0018995.

Allele frequency attached by ClinVar (database versions not stated): gnomAD exomes below 0.00001.
gnomAD v4.1: 1 of 1,612,878 alleles (0.000062%); highest among the groups gnomAD compares: Non-Finnish European, 0.000085%; no homozygotes.

Submission:

Labcorp Genetics (formerly Invitae), Labcorp
Classification: Uncertain significance for Charcot-Marie-Tooth disease type 4. Last evaluated: 2021-02-22. Review status: criteria provided, single submitter. Criteria: Invitae Variant Classification Sherloc (09022015). Collection method: clinical testing. Allele origin: germline.
Comment: In summary, the available evidence is currently insufficient to determine the role of this variant in disease. Therefore, it has been classified as a Variant of Uncertain Significance. Algorithms developed to predict the effect of missense changes on protein structure and function (SIFT, PolyPhen-2, Align-GVGD) all suggest that this variant is likely to be tolerated, but these predictions have not been confirmed by published functional studies and their clinical significance is uncertain. This variant has not been reported in the literature in individuals with FIG4-related conditions. This variant is not present in population databases (ExAC no frequency). This sequence change replaces methionine with valine at codon 339 of the FIG4 protein (p.Met339Val). The methionine residue is moderately conserved and there is a small physicochemical difference between methionine and valine.

NM_014845.6(FIG4):c.1015A>G (p.Met339Val)

Gene: FIG4 (FIG4 phosphoinositide 5-phosphatase; plus strand). Cytogenetic location: 6q21.
Variant type: single nucleotide variant.
Coding change: c.1015A>G on transcript NM_014845.6 (MANE Select); coding-DNA position 1015, A replaced by G.
Protein change: p.Met339Val; replaces methionine 339 with valine.
Molecular consequence: missense variant.
Genome position (GRCh38, 1-based): chr6:109,743,248, A>G. VCF-style: chr6-109743248-A-G. GRCh37 (hg19) VCF-style: chr6-110064451-A-G.
Other names: short protein forms M339V.
Identifiers: ClinVar variation 1483763 (VCV001483763.8), dbSNP rs2128386978, ClinGen allele CA365222049.